The following is an entry in ClinVar:

NM_004360.5(CDH1):c.637T>A (p.Trp213Arg)

Gene: CDH1 (cadherin 1; plus strand). Cytogenetic location: 16q22.1.
Variant type: single nucleotide variant.
Coding change: c.637T>A on transcript NM_004360.5 (MANE Select); coding-DNA position 637, T replaced by A.
Protein change: p.Trp213Arg; replaces tryptophan 213 with arginine.
Molecular consequence: missense variant. On other transcripts: 5 prime UTR variant (2).
Genome position (GRCh38, 1-based): chr16:68,808,798, T>A. VCF-style: chr16-68808798-T-A. GRCh37 (hg19) VCF-style: chr16-68842701-T-A.
Other names: c.637T>A, p.Trp213Arg (NM_001317184.2); c.-979T>A (NM_001317185.2); c.-1183T>A (NM_001317186.2); c.637T>A (LRG_301t1); short protein forms W213R.
Identifiers: ClinVar variation 479513 (VCV000479513.13), dbSNP rs1555515277, ClinGen allele CA396458058.
Genomic context (GRCh38, chr16:68,808,798, plus strand): 5'-ACTGGCCAAGGAGCTGACACACCCCCTGTTGGTGTCTTTATTATTGAAAGAGAAACAGGA[T>A]GGCTGAAGGTGACAGAGCCTCTGGATAGAGAACGCATTGCCACATACACTGTAAGTATCT-3'
Protein context (NP_004351.1, residues 203-223): GVFIIERETG[Trp213Arg]LKVTEPLDRE

ClinVar aggregate classification (germline): Uncertain significance. Review status: criteria provided, multiple submitters, no conflicts (2 of 4 stars). 2 submissions from 2 submitters: Uncertain significance (2). Last evaluated 2024-03-26.

Conditions:
Hereditary cancer-predisposing syndrome. Also called: Tumor predisposition; Neoplastic Syndromes, Hereditary; Hereditary Cancer Syndrome; Hereditary neoplastic syndrome. Identifiers: Orphanet 140162, MedGen C0027672, MeSH D009386, MONDO:0015356.
Hereditary diffuse gastric adenocarcinoma (HDGC). Also called: DIFFUSE GASTRIC AND LOBULAR BREAST CANCER SYNDROME. Identifiers: Orphanet 26106, MedGen C1708349, MONDO:0007648, OMIM 137215.

Allele frequency attached by ClinVar (database versions not stated): gnomAD exomes below 0.00001.
gnomAD v4.1: 1 of 1,614,156 alleles (0.000062%); highest among the groups gnomAD compares: Middle Eastern, 0.016%; no homozygotes.

Submissions (2):

Labcorp Genetics (formerly Invitae), Labcorp
Classification: Uncertain significance for Hereditary diffuse gastric adenocarcinoma. Last evaluated: 2024-03-26. Review status: criteria provided, single submitter. Criteria: Invitae Variant Classification Sherloc (09022015). Collection method: clinical testing. Allele origin: germline.
Comment: This sequence change replaces tryptophan, which is neutral and slightly polar, with arginine, which is basic and polar, at codon 213 of the CDH1 protein (p.Trp213Arg). This variant is not present in population databases (gnomAD no frequency). This variant has not been reported in the literature in individuals affected with CDH1-related conditions. ClinVar contains an entry for this variant (Variation ID: 479513). An algorithm developed to predict the effect of missense changes on protein structure and function (PolyPhen-2) suggests that this variant is likely to be disruptive. In summary, the available evidence is currently insufficient to determine the role of this variant in disease. Therefore, it has been classified as a Variant of Uncertain Significance.

Ambry Genetics
Classification: Uncertain significance for Hereditary cancer-predisposing syndrome. Last evaluated: 2016-11-29. Review status: criteria provided, single submitter. Criteria: Ambry Variant Classification Scheme 2023. Collection method: clinical testing. Allele origin: germline.
Comment: The p.W213R variant (also known as c.637T>A), located in coding exon 5 of the CDH1 gene, results from a T to A substitution at nucleotide position 637. The tryptophan at codon 213 is replaced by arginine, an amino acid with dissimilar properties. This amino acid position is well conserved in available vertebrate species. In addition, this alteration is predicted to be tolerated by in silico analysis. Since supporting evidence is limited at this time, the clinical significance of this alteration remains unclear.